The following is an entry in ClinVar:

ClinVar aggregate classification (germline): drug response. Review status: reviewed by expert panel (3 of 4 stars). 7 submissions from 5 submitters: drug response (3). 4 of the submissions do not count toward it. Last evaluated 2021-03-29.

Conditions:
Warfarin response. Also called: Coumadin response; Warfarin sensitivity; COUMARIN SENSITIVITY; COUMARIN, POOR METABOLISM OF; WARFARIN RESISTANCE; Coumarin resistance. Identifiers: MedGen C0750384, MONDO:0007390, OMIM 122700.
phenprocoumon response - Dosage. Identifiers: MedGen CN322728.
acenocoumarol response - Dosage. Identifiers: MedGen CN322721.
warfarin response - Dosage. Identifiers: MedGen CN322729.

Allele frequency attached by ClinVar (database versions not stated): gnomAD 0.31147 and 0.31718; 1000 Genomes Project 30x 0.34385; gnomAD exomes 0.37945; TOPMed 0.32276; 1000 Genomes Project 0.35583.
gnomAD v4.1: 577,074 of 1,543,178 alleles (37%); highest among the groups gnomAD compares: East Asian, 90%; 119,212 homozygotes.

Submissions (7):

ClinPGx
Classification: drug response for warfarin response - Dosage. Last evaluated: 2021-03-29. Review status: reviewed by expert panel. Criteria: Pharmacogenomics knowledge for personalized medicine. Collection method: curation. Allele origin: germline. Affected: yes.
Comment: PharmGKB Level of Evidence 1B: Level 1B clinical annotations describe variant-drug combinations with a high level of evidence supporting the association but no variant-specific prescribing guidance in an annotated clinical guideline or FDA drug label. Level 1B clinical annotations must be supported by at least two independent publications.

ClinPGx
Classification: drug response for acenocoumarol response - Dosage. Last evaluated: 2021-03-24. Review status: reviewed by expert panel. Criteria: Pharmacogenomics knowledge for personalized medicine. Collection method: curation. Allele origin: germline. Affected: yes.
Comment: PharmGKB Level of Evidence 2A: Variants in Level 2A clinical annotations are found in PharmGKB’s Tier 1 Very Important Pharmacogenes (VIPs). These variants are in known pharmacogenes, implying causation of drug phenotype is more likely. These clinical annotations describe variant-drug combinations with a moderate level of evidence supporting the association. For example, the association may be found in multiple cohorts, but there may be a minority of studies that do not support the majority assertion. Level 2A clinical annotations must be supported by at least two independent publications.

ClinPGx
Classification: drug response for phenprocoumon response - Dosage. Last evaluated: 2021-03-24. Review status: reviewed by expert panel. Criteria: Pharmacogenomics knowledge for personalized medicine. Collection method: curation. Allele origin: germline. Affected: yes.
Comment: the same text as in the submission from ClinPGx above.

Labcorp Genetics (formerly Invitae), Labcorp
Classification: Benign. Last evaluated: 2025-06-25. Review status: criteria provided, single submitter. Criteria: Invitae Variant Classification Sherloc (09022015). Collection method: clinical testing. Allele origin: germline. Not counted in ClinVar's aggregate classification.

GeneDx
Classification: Likely benign. Last evaluated: 2018-03-09. Review status: criteria provided, single submitter. Criteria: GeneDx Variant Classification (06012015). Collection method: clinical testing. Allele origin: germline. Affected: yes. Not counted in ClinVar's aggregate classification.
Comment: This variant is considered likely benign or benign based on one or more of the following criteria: it is a conservative change, it occurs at a poorly conserved position in the protein, it is predicted to be benign by multiple in silico algorithms, and/or has population frequency not consistent with disease.

Pharmacogenomics Lab, Chungbuk National University
Classification: drug response for Warfarin response. Last evaluated: 2010-08-31. Review status: no assertion criteria provided. Collection method: research. Allele origin: unknown. Affected: no. Observed: 140 variant alleles. Not counted in ClinVar's aggregate classification.

OMIM
Classification: Pathogenic for WARFARIN SENSITIVITY. Last evaluated: 2008-10-01. Review status: no assertion criteria provided. Collection method: literature only. Allele origin: germline. Not counted in ClinVar's aggregate classification.

Literature cited by the submitters: PubMed 15358623 (cited by ClinPGx); PubMed 15883587 (cited by ClinPGx); PubMed 16270629 (cited by ClinPGx); PubMed 16432637 (cited by ClinPGx); PubMed 16611750 (cited by ClinPGx); PubMed 16676068 (cited by ClinPGx); PubMed 16821005 (cited by ClinPGx); PubMed 17031720 (cited by ClinPGx); PubMed 17111199 (cited by ClinPGx); PubMed 17329985 (cited by ClinPGx); PubMed 17391071 (cited by ClinPGx); PubMed 17989110 (cited by ClinPGx); PubMed 18030307 (cited by ClinPGx); PubMed 18240904 (cited by ClinPGx); PubMed 18466099 (cited by ClinPGx); PubMed 18855533 (cited by ClinPGx and OMIM); PubMed 19074728 (cited by ClinPGx); PubMed 19077919 (cited by ClinPGx); PubMed 19177029 (cited by ClinPGx); PubMed 19297219 (cited by ClinPGx); PubMed 20128861 (cited by ClinPGx); PubMed 20203262 (cited by ClinPGx); PubMed 20585834 (cited by ClinPGx); PubMed 21176721 (cited by ClinPGx); PubMed 21273734 (cited by ClinPGx); PubMed 21326313 (cited by ClinPGx); PubMed 21981797 (cited by ClinPGx); PubMed 22075505 (cited by ClinPGx); PubMed 22248286 (cited by ClinPGx); PubMed 22534826 (cited by ClinPGx); PubMed 22549502 (cited by ClinPGx); PubMed 23159229 (cited by ClinPGx); PubMed 23183958 (cited by ClinPGx); PubMed 23990957 (cited by ClinPGx); PubMed 24019055 (cited by ClinPGx); PubMed 24728385 (cited by ClinPGx); PubMed 25026456 (cited by ClinPGx); PubMed 25989350 (cited by ClinPGx); PubMed 26223945 (cited by ClinPGx); PubMed 26257249 (cited by ClinPGx); PubMed 26433837 (cited by ClinPGx); PubMed 26996562 (cited by ClinPGx); PubMed 27121899 (cited by ClinPGx); PubMed 27617219 (cited by ClinPGx); PubMed 27938396 (cited by ClinPGx); PubMed 28262345 (cited by ClinPGx); PubMed 29054760 (cited by ClinPGx); PubMed 31653973 (cited by ClinPGx); PubMed 16201835 (cited by ClinPGx); PubMed 16815313 (cited by ClinPGx); PubMed 17596133 (cited by ClinPGx); PubMed 18781852 (cited by ClinPGx); PubMed 19225451 (cited by ClinPGx); PubMed 19270263 (cited by ClinPGx); PubMed 20020283 (cited by ClinPGx); PubMed 22920394 (cited by ClinPGx); PubMed 30983536 (cited by ClinPGx); PubMed 24224579 (cited by ClinPGx); PubMed 30207196 (cited by ClinPGx).

NM_024006.6(VKORC1):c.174-136C>T

Gene: VKORC1 (vitamin K epoxide reductase complex subunit 1; minus strand). Cytogenetic location: 16p11.2.
Variant type: single nucleotide variant.
Coding change: c.174-136C>T on transcript NM_024006.6 (MANE Select); 136 bases into the intron before coding-DNA position 174, C replaced by T.
Molecular consequence: intron variant.
Genome position (GRCh38, 1-based): chr16:31,093,557, G>A on the plus strand (C>T on the coding strand, the complement: VKORC1 is on the minus strand). VCF-style: chr16-31093557-G-A. GRCh37 (hg19) VCF-style: chr16-31104878-G-A.
Other names: VKORC1: 1173C>T; c.173+1000C>T (NM_206824.3); c.174-136C>T (NM_001311311.2).
Identifiers: ClinVar variation 37344 (VCV000037344.13), dbSNP rs9934438, ClinGen allele CA144660.